The following is an entry in ClinVar:

ClinVar aggregate classification (germline): Benign/Likely benign. Review status: criteria provided, multiple submitters, no conflicts (2 of 4 stars). 11 submissions from 9 submitters: Benign (8); Likely benign (1). 2 of the submissions do not count toward it. Last evaluated 2026-02-01.

Conditions:
Elliptocytosis 2 (EL2). Also called: ELLIPTOCYTOSIS, RHESUS-UNLINKED TYPE. Identifiers: Orphanet 288, MedGen C1851741, MONDO:0007533, OMIM 130600.
Hereditary spherocytosis type 3. Also called: Spherocytosis type 3; SPTA1-Related Spherocytosis. Identifiers: Orphanet 822, MedGen C2678338, MONDO:0010053, OMIM 270970.
Pyropoikilocytosis, hereditary. Also called: Pyropoikilocytosis. Identifiers: MedGen C0520739, MONDO:0009948, OMIM 266140, HP:0004839. Disease mechanism: loss of function.

Allele frequency attached by ClinVar (database versions not stated): ESP Exome Variant Server 0.22536; gnomAD 0.24070; 1000 Genomes Project 30x 0.24094; TOPMed 0.24254; 1000 Genomes Project 0.24361.
gnomAD v4.1: 406,985 of 1,613,118 alleles (25%); highest among the groups gnomAD compares: East Asian, 39%; 53,395 homozygotes.

Submissions (11):

Labcorp Genetics (formerly Invitae), Labcorp
Classification: Benign. Last evaluated: 2026-02-01. Review status: criteria provided, single submitter. Criteria: Invitae Variant Classification Sherloc (09022015). Collection method: clinical testing. Allele origin: germline.

ARUP Laboratories, Molecular Genetics and Genomics, ARUP Laboratories
Classification: Benign. Last evaluated: 2025-07-28. Review status: criteria provided, single submitter. Criteria: ARUP Molecular Germline Variant Investigation Process 2024. Collection method: clinical testing. Allele origin: germline.

Blueprint Genetics
Classification: Likely benign. Last evaluated: 2024-11-26. Review status: criteria provided, single submitter. Criteria: ACMG Guidelines, 2015. Collection method: clinical testing. Allele origin: germline.

Illumina Laboratory Services, Illumina
Classification: Benign for Pyropoikilocytosis, hereditary. Last evaluated: 2018-01-12. Review status: criteria provided, single submitter. Criteria: ICSL Variant Classification Criteria 13 December 2019. Collection method: clinical testing. Allele origin: germline.
Comment: This variant was observed in the ICSL laboratory as part of a predisposition screen in an ostensibly healthy population. It had not been previously curated by ICSL or reported in the Human Gene Mutation Database (HGMD: prior to June 1st, 2018), and was therefore a candidate for classification through an automated scoring system. Utilizing variant allele frequency, disease prevalence and penetrance estimates, and inheritance mode, an automated score was calculated to assess if this variant is too frequent to cause the disease. Based on the score and internal cut-off values, a variant classified as benign is not then subjected to further curation. The score for this variant resulted in a classification of benign for this disease.

Illumina Laboratory Services, Illumina
Classification: Benign for Elliptocytosis 2. Last evaluated: 2018-01-12. Review status: criteria provided, single submitter. Criteria: ICSL Variant Classification Criteria 13 December 2019. Collection method: clinical testing. Allele origin: germline.
Comment: the same text as in the submission from Illumina Laboratory Services, Illumina above.

Illumina Laboratory Services, Illumina
Classification: Benign for Hereditary spherocytosis type 3. Last evaluated: 2018-01-12. Review status: criteria provided, single submitter. Criteria: ICSL Variant Classification Criteria 13 December 2019. Collection method: clinical testing. Allele origin: germline.
Comment: the same text as in the submission from Illumina Laboratory Services, Illumina above.

Mayo Clinic Laboratories, Mayo Clinic
Classification: Benign. Last evaluated: 2016-04-16. Review status: criteria provided, single submitter. Criteria: ACMG Guidelines, 2015. Collection method: clinical testing. Allele origin: germline. Observed: 922 variant alleles.

Breakthrough Genomics
Classification: Benign. Review status: criteria provided, single submitter. Criteria: ACMG Guidelines, 2015. Collection method: not provided. Allele origin: germline. Inheritance: Autosomal recessive inheritance. Affected: yes.

PreventionGenetics, part of Exact Sciences
Classification: Benign. Review status: criteria provided, single submitter. Criteria: ACMG Guidelines, 2015. Collection method: clinical testing. Allele origin: germline.

Diagnostic Laboratory, Department of Genetics, University Medical Center Groningen
Classification: Benign. Review status: no assertion criteria provided. Collection method: clinical testing. Allele origin: germline. Affected: yes. Study: VKGL Data-share Consensus. Not counted in ClinVar's aggregate classification.

Genome Diagnostics Laboratory, University Medical Center Utrecht
Classification: Benign. Review status: no assertion criteria provided. Collection method: clinical testing. Allele origin: germline. Affected: yes. Study: VKGL Data-share Consensus. Not counted in ClinVar's aggregate classification.

NM_003126.4(SPTA1):c.2493T>G (p.Leu831=)

Gene: SPTA1 (spectrin alpha, erythrocytic 1; minus strand). Cytogenetic location: 1q23.1.
Variant type: single nucleotide variant.
Coding change: c.2493T>G on transcript NM_003126.4 (MANE Select); coding-DNA position 2493, T replaced by G.
Protein change: p.Leu831=; no amino-acid change (leucine 831 retained).
Molecular consequence: synonymous variant.
Genome position (GRCh38, 1-based): chr1:158,661,381, A>C on the plus strand (T>G on the coding strand, the complement: SPTA1 is on the minus strand). VCF-style: chr1-158661381-A-C. GRCh37 (hg19) VCF-style: chr1-158631171-A-C.
Other names: p.Leu831=.
Identifiers: ClinVar variation 258922 (VCV000258922.34), dbSNP rs2518493, ClinGen allele CA1183374.